The following is an entry in ClinVar:

NM_054027.6(ANKH):c.*1711C>A

Genes: ANKH (ANKH inorganic pyrophosphate transport regulator; minus strand), OTULIN (OTU deubiquitinase with linear linkage specificity; plus strand). Cytogenetic location: 5p15.2.
Variant type: single nucleotide variant.
Coding change: c.*1711C>A on transcript NM_054027.6 (MANE Select); 1711 bases downstream of the stop codon, C replaced by A.
Molecular consequence: 3 prime UTR variant.
Genome position (GRCh38, 1-based): chr5:14,709,486, G>T on the plus strand (C>A on the coding strand, the complement: ANKH is on the minus strand). VCF-style: chr5-14709486-G-T. GRCh37 (hg19) VCF-style: chr5-14709595-G-T.
Identifiers: ClinVar variation 351462 (VCV000351462.5), dbSNP rs75139257, ClinGen allele CA10623034.

ClinVar aggregate classification (germline): Benign. Review status: criteria provided, single submitter (1 of 4 stars). 2 submissions from 1 submitter: Benign (2). Last evaluated 2018-01-13.

Conditions:
Chondrocalcinosis 2. Also called: CALCIUM GOUT; CALCIUM PYROPHOSPHATE ARTHROPATHY; Familial calcium pyrophosphate deposition. Identifiers: Orphanet 1416, MedGen C0856830, MONDO:0007319, OMIM 118600.
Craniometaphyseal dysplasia, autosomal dominant (CMDD). Identifiers: Orphanet 1522, MedGen C1852502, MONDO:0007397, OMIM 123000.

Allele frequency attached by ClinVar (database versions not stated): gnomAD 0.00066; TOPMed 0.00075; 1000 Genomes Project 0.00100; 1000 Genomes Project 30x 0.00109.

Submissions (2):

Illumina Laboratory Services, Illumina
Classification: Benign for Craniometaphyseal dysplasia, autosomal dominant. Last evaluated: 2018-01-13. Review status: criteria provided, single submitter. Criteria: ICSL Variant Classification Criteria 13 December 2019. Collection method: clinical testing. Allele origin: germline.
Comment: This variant was observed in the ICSL laboratory as part of a predisposition screen in an ostensibly healthy population. It had not been previously curated by ICSL or reported in the Human Gene Mutation Database (HGMD: prior to June 1st, 2018), and was therefore a candidate for classification through an automated scoring system. Utilizing variant allele frequency, disease prevalence and penetrance estimates, and inheritance mode, an automated score was calculated to assess if this variant is too frequent to cause the disease. Based on the score and internal cut-off values, a variant classified as benign is not then subjected to further curation. The score for this variant resulted in a classification of benign for this disease.

Illumina Laboratory Services, Illumina
Classification: Benign for Chondrocalcinosis 2. Last evaluated: 2018-01-13. Review status: criteria provided, single submitter. Criteria: ICSL Variant Classification Criteria 13 December 2019. Collection method: clinical testing. Allele origin: germline.
Comment: the same text as in the submission from Illumina Laboratory Services, Illumina above.